The following is an entry in ClinVar:

ClinVar aggregate classification (germline): Uncertain significance (1 of 4 stars; one submission).

gnomAD v4.1: 1 of 1,614,198 alleles (0.000062%); highest among the groups gnomAD compares: Non-Finnish European, 0.000085%; no homozygotes.

Submission:

Labcorp Genetics (formerly Invitae), Labcorp
Classification: Uncertain significance. Last evaluated: 2023-12-22. Review status: criteria provided, single submitter. Criteria: Invitae Variant Classification Sherloc (09022015). Collection method: clinical testing. Allele origin: germline.
Comment: This sequence change replaces aspartic acid, which is acidic and polar, with glycine, which is neutral and non-polar, at codon 395 of the SNRNP200 protein (p.Asp395Gly). This variant is not present in population databases (gnomAD no frequency). This variant has not been reported in the literature in individuals affected with SNRNP200-related conditions. Advanced modeling of protein sequence and biophysical properties (such as structural, functional, and spatial information, amino acid conservation, physicochemical variation, residue mobility, and thermodynamic stability) performed at Invitae indicates that this missense variant is not expected to disrupt SNRNP200 protein function with a negative predictive value of 80%. In summary, the available evidence is currently insufficient to determine the role of this variant in disease. Therefore, it has been classified as a Variant of Uncertain Significance.

NM_014014.5(SNRNP200):c.1184A>G (p.Asp395Gly)

Gene: SNRNP200 (small nuclear ribonucleoprotein U5 subunit 200; minus strand). Cytogenetic location: 2q11.2.
Variant type: single nucleotide variant.
Coding change: c.1184A>G on transcript NM_014014.5 (MANE Select); coding-DNA position 1184, A replaced by G.
Protein change: p.Asp395Gly; replaces aspartic acid 395 with glycine.
Molecular consequence: missense variant.
Genome position (GRCh38, 1-based): chr2:96,297,656, T>C on the plus strand (A>G on the coding strand, the complement: SNRNP200 is on the minus strand). VCF-style: chr2-96297656-T-C. GRCh37 (hg19) VCF-style: chr2-96963394-T-C.
Other names: short protein forms D395G.
Identifiers: ClinVar variation 2799859 (VCV002799859.3), dbSNP rs1416886677, ClinGen allele CA347683523.